The following is an entry in ClinVar:

NM_000256.3(MYBPC3):c.1628del (p.Lys543fs)

Gene: MYBPC3 (myosin binding protein C3; minus strand). Cytogenetic location: 11p11.2.
Variant type: Deletion.
Coding change: c.1628del on transcript NM_000256.3 (MANE Select); coding-DNA position 1628, one base deleted (A; older notation c.1628delA).
Protein change: p.Lys543fs; shifts the reading frame from lysine 543.
Molecular consequence: frameshift variant.
Genome position (GRCh38, 1-based): chr11:47,342,153, T deleted on the plus strand (A on the coding strand, the reverse complement: MYBPC3 is on the minus strand); the first of 4 consecutive T bases (chr11:47,342,153-47,342,156); deleting any one gives the same sequence. VCF-style (leftmost placement, unchanged base first): chr11-47342152-CT-C. GRCh37 (hg19) VCF-style: chr11-47363703-CT-C.
Other names: c.1628del, p.Lys543fs (LRG_386t1); c.1628delA (NM_000256.3); short protein forms K543fs.
Identifiers: ClinVar variation 177637 (VCV000177637.12), dbSNP rs727504248, ClinGen allele CA010821.
Genomic context (GRCh38, chr11:47,342,152, plus strand): 5'-CACCGCCTGGTCCTTTGCGCCCACCATCAGGTCTGCGATGCTCTGGTACACCTCCAGCTT[CT>C]TTTCTGCAGGGCAGGGCAGAGCCATTGAGCTCGGGAGGGTGTGTGGGTGTGGCGTGAATC-3'

ClinVar aggregate classification (germline): Pathogenic/Likely pathogenic. Review status: criteria provided, multiple submitters, no conflicts (2 of 4 stars). 3 submissions from 3 submitters: Pathogenic (1); Likely pathogenic (1). 1 of the submissions does not count toward it. Last evaluated 2025-05-07.

Conditions:
Hypertrophic cardiomyopathy. Also called: HYPERTROPHIC MYOCARDIOPATHY. Identifiers: Orphanet 217569, MedGen C0007194, MeSH D002312, MONDO:0005045, HP:0001639.

Submissions (3):

GeneDx
Classification: Likely pathogenic. Last evaluated: 2025-05-07. Review status: criteria provided, single submitter. Criteria: GeneDx Variant Classification Process June 2021. Collection method: clinical testing. Allele origin: germline. Affected: yes.
Comment: Not observed at significant frequency in large population cohorts (gnomAD); Frameshift variant predicted to result in protein truncation or nonsense mediated decay in a gene for which loss of function is a known mechanism of disease; This variant is associated with the following publications: (PMID: 21415409, 27532257, 37652022, 20474083)

Labcorp Genetics (formerly Invitae), Labcorp
Classification: Pathogenic for Hypertrophic cardiomyopathy. Last evaluated: 2021-04-24. Review status: criteria provided, single submitter. Criteria: Invitae Variant Classification Sherloc (09022015). Collection method: clinical testing. Allele origin: germline.
Comment: For these reasons, this variant has been classified as Pathogenic. This variant has been observed in individual(s) with hypertrophic cardiomyopathy (PMID: 27532257). ClinVar contains an entry for this variant (Variation ID: 177637). This variant is not present in population databases (ExAC no frequency). This sequence change creates a premature translational stop signal (p.Lys543Argfs*12) in the MYBPC3 gene. It is expected to result in an absent or disrupted protein product. Loss-of-function variants in MYBPC3 are known to be pathogenic (PMID: 19574547).

Laboratory for Molecular Medicine, Mass General Brigham Personalized Medicine
Classification: Pathogenic for Hypertrophic cardiomyopathy. Last evaluated: 2014-12-17. Review status: no assertion criteria provided. Collection method: clinical testing. Allele origin: germline. Inheritance: Autosomal dominant inheritance. Observed: 1 variant allele. Not counted in ClinVar's aggregate classification.
Comment: proposed classification - variant undergoing re-assessment, contact laboratory

Literature cited by the submitters: PubMed 27532257 (cited by Labcorp Genetics (formerly Invitae), Labcorp); PubMed 19574547 (cited by Labcorp Genetics (formerly Invitae), Labcorp); PubMed 20474083 (cited by Laboratory for Molecular Medicine, Mass General Brigham Personalized Medicine); PubMed 21415409 (cited by Laboratory for Molecular Medicine, Mass General Brigham Personalized Medicine).